The following is an entry in ClinVar:

ClinVar aggregate classification (germline): Uncertain significance (1 of 4 stars; one submission).

Conditions:
Granulomatous disease, chronic, autosomal recessive, cytochrome b-positive, type 3. Also called: GRANULOMATOUS DISEASE, CHRONIC, DUE TO NCF4 DEFICIENCY; Granulomatous disease, chronic, autosomal recessive, cytochrome b-positive, type III; GRANULOMATOUS DISEASE, CHRONIC, AUTOSOMAL RECESSIVE, 3; CGD, AUTOSOMAL RECESSIVE CYTOCHROME b-POSITIVE, TYPE III. Identifiers: Orphanet 379, MedGen C3151409, MONDO:0013507, OMIM 613960.

gnomAD v4.1: 1 of 1,613,402 alleles (0.000062%); highest among the groups gnomAD compares: Non-Finnish European, 0.000085%; no homozygotes.

Submission:

Labcorp Genetics (formerly Invitae), Labcorp
Classification: Uncertain significance for Granulomatous disease, chronic, autosomal recessive, cytochrome b-positive, type 3. Last evaluated: 2022-02-05. Review status: criteria provided, single submitter. Criteria: Invitae Variant Classification Sherloc (09022015). Collection method: clinical testing. Allele origin: germline.
Comment: In summary, the available evidence is currently insufficient to determine the role of this variant in disease. Therefore, it has been classified as a Variant of Uncertain Significance. Algorithms developed to predict the effect of missense changes on protein structure and function are either unavailable or do not agree on the potential impact of this missense change (SIFT: "Deleterious"; PolyPhen-2: "Probably Damaging"; Align-GVGD: "Class C0"). ClinVar contains an entry for this variant (Variation ID: 641455). This variant has not been reported in the literature in individuals affected with NCF4-related conditions. This variant is not present in population databases (gnomAD no frequency). This sequence change replaces glycine, which is neutral and non-polar, with valine, which is neutral and non-polar, at codon 34 of the NCF4 protein (p.Gly34Val).

NM_000631.5(NCF4):c.101G>T (p.Gly34Val)

Genes: NCF4 (neutrophil cytosolic factor 4; plus strand), NCF4-AS1 (NCF4 antisense RNA 1; minus strand). Cytogenetic location: 22q12.3.
Variant type: single nucleotide variant.
Coding change: c.101G>T on transcript NM_000631.5 (MANE Select); coding-DNA position 101, G replaced by T.
Protein change: p.Gly34Val; replaces glycine 34 with valine.
Molecular consequence: missense variant.
Genome position (GRCh38, 1-based): chr22:36,864,113, G>T. VCF-style: chr22-36864113-G-T. GRCh37 (hg19) VCF-style: chr22-37260155-G-T.
Other names: c.101G>T, p.Gly34Val (NM_013416.4); short protein forms G34V.
Identifiers: ClinVar variation 641455 (VCV000641455.9), dbSNP rs766859628, ClinGen allele CA10212836.